The following is an entry in ClinVar:

ClinVar aggregate classification (germline): Uncertain significance (1 of 4 stars; one submission).

Conditions:
Tay-Sachs disease, variant AB. Also called: Gm2-gangliosidosis, ab variant; GM2 Activator Deficiency. Identifiers: Orphanet 309246, MedGen C0268275, MONDO:0010099, OMIM 272750.

Allele frequency attached by ClinVar (database versions not stated): gnomAD 0.00001; gnomAD exomes 0.00001.
gnomAD v4.1: 4 of 1,614,030 alleles (0.00025%); highest among the groups gnomAD compares: Admixed American, 0.0067%; no homozygotes.

Submission:

Labcorp Genetics (formerly Invitae), Labcorp
Classification: Uncertain significance for Tay-Sachs disease, variant AB. Last evaluated: 2024-08-11. Review status: criteria provided, single submitter. Criteria: Invitae Variant Classification Sherloc (09022015). Collection method: clinical testing. Allele origin: germline.
Comment: This sequence change replaces lysine, which is basic and polar, with glutamine, which is neutral and polar, at codon 149 of the GM2A protein (p.Lys149Gln). This variant is present in population databases (no rsID available, gnomAD 0.009%). This variant has not been reported in the literature in individuals affected with GM2A-related conditions. ClinVar contains an entry for this variant (Variation ID: 2040106). An algorithm developed to predict the effect of missense changes on protein structure and function (PolyPhen-2) suggests that this variant is likely to be tolerated. In summary, the available evidence is currently insufficient to determine the role of this variant in disease. Therefore, it has been classified as a Variant of Uncertain Significance.

NM_000405.5(GM2A):c.445A>C (p.Lys149Gln)

Gene: GM2A (ganglioside GM2 activator; plus strand). Cytogenetic location: 5q33.1.
Variant type: single nucleotide variant.
Coding change: c.445A>C on transcript NM_000405.5 (MANE Select); coding-DNA position 445, A replaced by C.
Protein change: p.Lys149Gln; replaces lysine 149 with glutamine.
Molecular consequence: missense variant. On other transcripts: intron variant (1).
Genome position (GRCh38, 1-based): chr5:151,267,314, A>C. VCF-style: chr5-151267314-A-C. GRCh37 (hg19) VCF-style: chr5-150646875-A-C.
Other names: c.413-178A>C (NM_001167607.3); short protein forms K149Q.
Identifiers: ClinVar variation 2040106 (VCV002040106.4), dbSNP rs1267776933, ClinGen allele CA361808452.